The following is an entry in ClinVar:

ClinVar aggregate classification (germline): Uncertain significance (1 of 4 stars; one submission).

Conditions:
3-methylglutaconic aciduria, type VIIB (MGCA7B). Also called: CLPB Deficiency; 3-methylglutaconic aciduria, type VII, with cataracts, neurologic involvement and neutropenia; 3-methylglutaconic aciduria with cataracts, neurologic involvement and neutropenia. Identifiers: Orphanet 445038, MedGen C5676893, MONDO:0014561, OMIM 616271.

Submission:

Labcorp Genetics (formerly Invitae), Labcorp
Classification: Uncertain significance for 3-methylglutaconic aciduria, type VIIB. Last evaluated: 2025-03-31. Review status: criteria provided, single submitter. Criteria: Invitae Variant Classification Sherloc (09022015). Collection method: clinical testing. Allele origin: germline.
Comment: This sequence change replaces serine, which is neutral and polar, with asparagine, which is neutral and polar, at codon 130 of the CLPB protein (p.Ser130Asn). This variant is not present in population databases (gnomAD no frequency). This variant has not been reported in the literature in individuals affected with CLPB-related conditions. An algorithm developed to predict the effect of missense changes on protein structure and function outputs the following: PolyPhen-2: "Benign". The asparagine amino acid residue is found in multiple mammalian species, which suggests that this missense change does not adversely affect protein function. In summary, the available evidence is currently insufficient to determine the role of this variant in disease. Therefore, it has been classified as a Variant of Uncertain Significance.

NM_001258392.3(CLPB):c.389G>A (p.Ser130Asn)

Gene: CLPB (ClpB family mitochondrial disaggregase; minus strand). Cytogenetic location: 11q13.4.
Variant type: single nucleotide variant.
Coding change: c.389G>A on transcript NM_001258392.3 (MANE Select); coding-DNA position 389, G replaced by A.
Protein change: p.Ser130Asn; replaces serine 130 with asparagine.
Molecular consequence: missense variant. On other transcripts: synonymous variant (1).
Genome position (GRCh38, 1-based): chr11:72,434,086, C>T on the plus strand (G>A on the coding strand, the complement: CLPB is on the minus strand). VCF-style: chr11-72434086-C-T. GRCh37 (hg19) VCF-style: chr11-72145130-C-T.
Other names: c.389G>A, p.Ser130Asn (NM_001258393.3, NM_030813.6); c.147G>A, p.Glu49= (NM_001258394.3); short protein forms S130N.
Identifiers: ClinVar variation 4716439 (VCV004716439.1).